The following is an entry in ClinVar:

ClinVar aggregate classification (germline): Uncertain significance (1 of 4 stars; one submission).

gnomAD v4.1: 17 of 1,613,986 alleles (0.0011%); highest among the groups gnomAD compares: Non-Finnish European, 0.0011%; no homozygotes.

Submission:

GeneDx
Classification: Uncertain significance. Last evaluated: 2024-08-13. Review status: criteria provided, single submitter. Criteria: GeneDx Variant Classification Process June 2021. Collection method: clinical testing. Allele origin: germline. Affected: yes.
Comment: In silico analysis supports that this missense variant has a deleterious effect on protein structure/function; Has not been previously published as pathogenic or benign to our knowledge

NM_032119.4(ADGRV1):c.7599G>T (p.Glu2533Asp)

Gene: ADGRV1 (adhesion G protein-coupled receptor V1; plus strand). Cytogenetic location: 5q14.3.
Variant type: single nucleotide variant.
Coding change: c.7599G>T on transcript NM_032119.4 (MANE Select); coding-DNA position 7599, G replaced by T.
Protein change: p.Glu2533Asp; replaces glutamic acid 2533 with aspartic acid.
Molecular consequence: missense variant. On other transcripts: non-coding transcript variant (1).
Genome position (GRCh38, 1-based): chr5:90,694,355, G>T. VCF-style: chr5-90694355-G-T. GRCh37 (hg19) VCF-style: chr5-89990172-G-T.
Other names: short protein forms E2533D.
Identifiers: ClinVar variation 3730953 (VCV003730953.1).